The following is an entry in ClinVar:

NM_020987.5(ANK3):c.884A>T (p.Asp295Val)

Gene: ANK3 (ankyrin 3; minus strand). Cytogenetic location: 10q21.2.
Variant type: single nucleotide variant.
Coding change: c.884A>T on transcript NM_020987.5 (MANE Select); coding-DNA position 884, A replaced by T.
Protein change: p.Asp295Val; replaces aspartic acid 295 with valine.
Molecular consequence: missense variant.
Genome position (GRCh38, 1-based): chr10:60,234,701, T>A on the plus strand (A>T on the coding strand, the complement: ANK3 is on the minus strand). VCF-style: chr10-60234701-T-A. GRCh37 (hg19) VCF-style: chr10-61994459-T-A.
Other names: c.866A>T, p.Asp289Val (NM_001204403.2); c.833A>T, p.Asp278Val (NM_001204404.2); c.884A>T, p.Asp295Val (NM_001320874.2); short protein forms D278V, D289V, D295V.
Identifiers: ClinVar variation 1509944 (VCV001509944.6), dbSNP rs752563117, ClinGen allele CA5513298.

ClinVar aggregate classification (germline): Uncertain significance (1 of 4 stars; one submission).

Allele frequency attached by ClinVar (database versions not stated): ExAC 0.00001; gnomAD 0.00001; gnomAD exomes 0.00001; TOPMed 0.00002.
gnomAD v4.1: 12 of 1,612,530 alleles (0.00074%); highest among the groups gnomAD compares: Admixed American, 0.0033%; no homozygotes.

Submission:

Labcorp Genetics (formerly Invitae), Labcorp
Classification: Uncertain significance. Last evaluated: 2023-07-10. Review status: criteria provided, single submitter. Criteria: Invitae Variant Classification Sherloc (09022015). Collection method: clinical testing. Allele origin: germline.
Comment: This sequence change replaces aspartic acid with valine at codon 295 of the ANK3 protein (p.Asp295Val). The aspartic acid residue is moderately conserved and there is a large physicochemical difference between aspartic acid and valine. This variant is present in population databases (rs752563117, gnomAD 0.003%). In summary, the available evidence is currently insufficient to determine the role of this variant in disease. Therefore, it has been classified as a Variant of Uncertain Significance. An algorithm developed to predict the effect of missense changes on protein structure and function (PolyPhen-2) suggests that this variant is likely to be disruptive. ClinVar contains an entry for this variant (Variation ID: 1509944). This variant has not been reported in the literature in individuals affected with ANK3-related conditions.